The following is an entry in ClinVar:

ClinVar aggregate classification (germline): Uncertain significance. Review status: criteria provided, multiple submitters, no conflicts (2 of 4 stars). 2 submissions from 2 submitters: Uncertain significance (2). Last evaluated 2022-12-08.

Conditions:
Brachydactyly type B1 (BDB1). Identifiers: Orphanet 572385, Orphanet 93383, MedGen C1862112, MONDO:0007220, OMIM 113000.
Autosomal recessive Robinow syndrome (RRS1). Also called: COSTOVERTEBRAL SEGMENTATION DEFECT WITH MESOMELIA; COVESDEM SYNDROME; ROBINOW SYNDROME, AUTOSOMAL RECESSIVE 1; ROR2-Related Robinow Syndrome. Identifiers: Orphanet 1507, Orphanet 97360, MedGen C5399974, MONDO:0009999, OMIM 268310.

Allele frequency attached by ClinVar (database versions not stated): TOPMed 0.00001; gnomAD 0.00002 and 0.00003; gnomAD exomes 0.00002; ExAC 0.00005.
gnomAD v4.1: 27 of 1,614,024 alleles (0.0017%); highest among the groups gnomAD compares: South Asian, 0.011%; no homozygotes.

Submissions (2):

Labcorp Genetics (formerly Invitae), Labcorp
Classification: Uncertain significance. Last evaluated: 2022-12-08. Review status: criteria provided, single submitter. Criteria: Invitae Variant Classification Sherloc (09022015). Collection method: clinical testing. Allele origin: germline.
Comment: Algorithms developed to predict the effect of sequence changes on RNA splicing suggest that this variant may disrupt the consensus splice site. In summary, the available evidence is currently insufficient to determine the role of this variant in disease. Therefore, it has been classified as a Variant of Uncertain Significance. Advanced modeling of protein sequence and biophysical properties (such as structural, functional, and spatial information, amino acid conservation, physicochemical variation, residue mobility, and thermodynamic stability) performed at Invitae indicates that this missense variant is not expected to disrupt ROR2 protein function. ClinVar contains an entry for this variant (Variation ID: 853593). This variant has not been reported in the literature in individuals affected with ROR2-related conditions. This variant is present in population databases (rs755135206, gnomAD 0.01%). This sequence change replaces arginine, which is basic and polar, with histidine, which is basic and polar, at codon 385 of the ROR2 protein (p.Arg385His).

Fulgent Genetics
Classification: Uncertain significance for Brachydactyly type B1; Autosomal recessive Robinow syndrome. Last evaluated: 2022-04-08. Review status: criteria provided, single submitter. Criteria: ACMG Guidelines, 2015. Collection method: clinical testing. Allele origin: unknown.

NM_004560.4(ROR2):c.1154G>A (p.Arg385His)

Gene: ROR2 (receptor tyrosine kinase like orphan receptor 2; minus strand). Cytogenetic location: 9q22.31.
Variant type: single nucleotide variant.
Coding change: c.1154G>A on transcript NM_004560.4 (MANE Select); coding-DNA position 1154, G replaced by A.
Protein change: p.Arg385His; replaces arginine 385 with histidine.
Molecular consequence: missense variant. On other transcripts: intron variant (1).
Genome position (GRCh38, 1-based): chr9:91,730,939, C>T on the plus strand (G>A on the coding strand, the complement: ROR2 is on the minus strand). VCF-style: chr9-91730939-C-T. GRCh37 (hg19) VCF-style: chr9-94493221-C-T.
Other names: c.1149+5G>A (NM_001318204.2); short protein forms R385H.
Identifiers: ClinVar variation 853593 (VCV000853593.12), dbSNP rs755135206, ClinGen allele CA5120783.
Genomic context (GRCh38, chr9:91,730,939, plus strand): 5'-CACATTAAAAAAAGAGAGAGAGAATACATACTACACGAGGGTACGTCACACAGTTCCATG[C>T]GTACGTTTTTATTCTGCGTAAAGCACCAGGGGCCCTCCATCTGGCCTCCGGGGTTCCGGC-3'
Protein context (NP_004551.2, residues 375-395): PWCFTQNKNV[Arg385His]MELCDVPSCS